The following is an entry in ClinVar:

NM_014271.4(IL1RAPL1):c.725C>T (p.Pro242Leu)

Gene: IL1RAPL1 (interleukin 1 receptor accessory protein like 1; plus strand). Cytogenetic location: Xp21.2.
Variant type: single nucleotide variant.
Coding change: c.725C>T on transcript NM_014271.4 (MANE Select); coding-DNA position 725, C replaced by T.
Protein change: p.Pro242Leu; replaces proline 242 with leucine.
Molecular consequence: missense variant.
Genome position (GRCh38, 1-based): chrX:29,668,451, C>T. VCF-style: chrX-29668451-C-T. GRCh37 (hg19) VCF-style: chrX-29686568-C-T.
Other names: short protein forms P242L.
Identifiers: ClinVar variation 4086649 (VCV004086649.1).

ClinVar aggregate classification (germline): Uncertain significance (1 of 4 stars; one submission).

Submission:

GeneDx
Classification: Uncertain significance. Last evaluated: 2025-03-20. Review status: criteria provided, single submitter. Criteria: GeneDx Variant Classification Process June 2021. Collection method: clinical testing. Allele origin: germline. Affected: yes.
Comment: Not observed at significant frequency in large population cohorts (gnomAD); In silico analysis supports that this missense variant has a deleterious effect on protein structure/function; Has not been previously published as pathogenic or benign to our knowledge